The following is an entry in ClinVar:

ClinVar aggregate classification (germline): Likely benign. Review status: criteria provided, multiple submitters, no conflicts (2 of 4 stars). 3 submissions from 3 submitters: Likely benign (3). Last evaluated 2024-03-24.

Conditions:
Catecholaminergic polymorphic ventricular tachycardia (CVPT). Also called: Catecholamine-induced polymorphic ventricular tachycardia. Identifiers: Orphanet 3286, MedGen C5574922, MONDO:0017990.
Cardiomyopathy (CMYO). Also called: Cardiomyopathies. Identifiers: Orphanet 167848, MedGen C0878544, MONDO:0004994, HP:0001638. Inheritance: Various modes of inheritance.
Catecholaminergic polymorphic ventricular tachycardia 1. Also called: VENTRICULAR TACHYCARDIA, CATECHOLAMINERGIC POLYMORPHIC, 1, WITH OR WITHOUT ATRIAL DYSFUNCTION AND/OR DILATED CARDIOMYOPATHY; RYR2-Related Catecholaminergic Polymorphic Ventricular Tachycardia; VENTRICULAR TACHYCARDIA, STRESS-INDUCED POLYMORPHIC 1. Identifiers: Orphanet 3286, MedGen C1631597, MONDO:0011484, OMIM 604772.

Submissions (3):

All of Us Research Program, National Institutes of Health
Classification: Likely benign for Catecholaminergic polymorphic ventricular tachycardia. Last evaluated: 2024-03-24. Review status: criteria provided, single submitter. Criteria: ACMG Guidelines, 2015. Collection method: clinical testing. Allele origin: germline. Inheritance: Autosomal dominant inheritance. Observed: 1 variant allele, 1 heterozygote.
Comment: This study involves interpretation of variants in research participants for the purpose of population health screening. Participant phenotype was not available at the time of variant classification. Additional details can be found in publication PMID: 35346344, PMCID: PMC8962531

Labcorp Genetics (formerly Invitae), Labcorp
Classification: Likely benign for Catecholaminergic polymorphic ventricular tachycardia 1. Last evaluated: 2023-10-14. Review status: criteria provided, single submitter. Criteria: Invitae Variant Classification Sherloc (09022015). Collection method: clinical testing. Allele origin: germline.

Color Diagnostics, LLC DBA Color Health
Classification: Likely benign for Cardiomyopathy. Last evaluated: 2019-01-11. Review status: criteria provided, single submitter. Criteria: ACMG Guidelines, 2015. Collection method: clinical testing. Allele origin: germline.

NM_001035.3(RYR2):c.2547C>T (p.Asp849=)

Gene: RYR2 (ryanodine receptor 2; plus strand). Cytogenetic location: 1q43.
Variant type: single nucleotide variant.
Coding change: c.2547C>T on transcript NM_001035.3 (MANE Select); coding-DNA position 2547, C replaced by T.
Protein change: p.Asp849=; no amino-acid change (aspartic acid 849 retained).
Molecular consequence: synonymous variant.
Genome position (GRCh38, 1-based): chr1:237,503,439, C>T. VCF-style: chr1-237503439-C-T. GRCh37 (hg19) VCF-style: chr1-237666739-C-T.
Identifiers: ClinVar variation 919289 (VCV000919289.6), dbSNP rs780283100, ClinGen allele CA423816461.